The following is an entry in ClinVar:

ClinVar aggregate classification (germline): Benign/Likely benign. Review status: criteria provided, multiple submitters, no conflicts (2 of 4 stars). 3 submissions from 3 submitters: Benign (2); Likely benign (1). Last evaluated 2024-11-05.

Allele frequency attached by ClinVar (database versions not stated): ESP Exome Variant Server 0.00392; 1000 Genomes Project 0.00539; ExAC 0.00129; TOPMed 0.00414; gnomAD exomes 0.00103; gnomAD 0.00375 and 0.00407; 1000 Genomes Project 30x 0.00515.
gnomAD v4.1: 1,211 of 1,614,116 alleles (0.075%); highest among the groups gnomAD compares: African/African-American, 1.3%; 3 homozygotes.

Submissions (3):

Mayo Clinic Laboratories, Mayo Clinic
Classification: Likely benign. Last evaluated: 2024-11-05. Review status: criteria provided, single submitter. Criteria: ACMG Guidelines, 2015. Collection method: clinical testing. Allele origin: germline. Observed: 1 variant allele.
Comment: BS1, BP4, BP7

Labcorp Genetics (formerly Invitae), Labcorp
Classification: Benign. Last evaluated: 2019-12-31. Review status: criteria provided, single submitter. Criteria: Invitae Variant Classification Sherloc (09022015). Collection method: clinical testing. Allele origin: germline.

Breakthrough Genomics
Classification: Benign. Review status: criteria provided, single submitter. Criteria: ACMG Guidelines, 2015. Collection method: not provided. Allele origin: germline. Inheritance: Unknown mechanism. Affected: yes.

NM_000930.5(PLAT):c.1479T>A (p.Ala493=)

Gene: PLAT (plasminogen activator, tissue type; minus strand). Cytogenetic location: 8p11.21.
Variant type: single nucleotide variant.
Coding change: c.1479T>A on transcript NM_000930.5 (MANE Select); coding-DNA position 1479, T replaced by A.
Protein change: p.Ala493=; no amino-acid change (alanine 493 retained).
Molecular consequence: synonymous variant.
Genome position (GRCh38, 1-based): chr8:42,178,948, A>T on the plus strand (T>A on the coding strand, the complement: PLAT is on the minus strand). VCF-style: chr8-42178948-A-T. GRCh37 (hg19) VCF-style: chr8-42036466-A-T.
Other names: p.Ala493=; c.1212T>A, p.Ala404= (NM_001319189.2); c.1341T>A, p.Ala447= (NM_033011.4).
Identifiers: ClinVar variation 712804 (VCV000712804.6), dbSNP rs62001886, ClinGen allele CA4730980.
Genomic context (GRCh38, chr8:42,178,948, plus strand): 5'-CCTGGTTACCTGGCAGGCGTCGTGCAAGTTTGCCTGGGGCCCGCCGCTCCGAGTGTCTCC[A>T]GCACACAGCATGTTGTCGGTGACTGTTCTGTTAAGTAAATGTTGTGATGTGCAGCGGCTG-3'
Protein context (NP_000921.1, residues 483-503): NRTVTDNMLC[Ala493=]GDTRSGGPQA